The following is an entry in ClinVar:

NM_173354.5(SIK1):c.624+5G>C

Gene: SIK1 (salt inducible kinase 1; minus strand). Cytogenetic location: 21q22.3.
Variant type: single nucleotide variant.
Coding change: c.624+5G>C on transcript NM_173354.5 (MANE Select); 5 bases into the intron after coding-DNA position 624, G replaced by C.
Molecular consequence: intron variant.
Genome position (GRCh38, 1-based): chr21:43,421,238, C>G on the plus strand (G>C on the coding strand, the complement: SIK1 is on the minus strand). VCF-style: chr21-43421238-C-G. GRCh37 (hg19) VCF-style: chr21-44841118-C-G.
Identifiers: ClinVar variation 3615123 (VCV003615123.2).
Genomic context (GRCh38, chr21:43,421,238, plus strand): 5'-CGGGAACACGGCGCCCTCGGGGAACGCGGCCTCGGGAAGGGGGTCTGCGCGCACAGGGCT[C>G]CTACCCAGATGTCCAGCTGGGGGCCTTCATACTCCTTCCCCTCAAAGACTTCCGGGGCGG-3'

ClinVar aggregate classification (germline): Uncertain significance (1 of 4 stars; one submission).

Conditions:
Developmental and epileptic encephalopathy, 30 (DEE30). Also called: Epileptic encephalopathy, early infantile, 30. Identifiers: MedGen C4225360, MONDO:0014595, OMIM 616341.

Submission:

Labcorp Genetics (formerly Invitae), Labcorp
Classification: Uncertain significance for Developmental and epileptic encephalopathy, 30. Last evaluated: 2024-04-12. Review status: criteria provided, single submitter. Criteria: Invitae Variant Classification Sherloc (09022015). Collection method: clinical testing. Allele origin: germline.
Comment: This sequence change falls in intron 6 of the SIK1 gene. It does not directly change the encoded amino acid sequence of the SIK1 protein. It affects a nucleotide within the consensus splice site. This variant is present in population databases (no rsID available, gnomAD 0.007%). This variant has been observed in individual(s) with SIK1-related conditions (Invitae). Variants that disrupt the consensus splice site are a relatively common cause of aberrant splicing (PMID: 17576681, 9536098). Algorithms developed to predict the effect of sequence changes on RNA splicing suggest that this variant may disrupt the consensus splice site. In summary, the available evidence is currently insufficient to determine the role of this variant in disease. Therefore, it has been classified as a Variant of Uncertain Significance.

Literature cited by the submitters: PubMed 17576681; PubMed 9536098.